The following is an entry in ClinVar:

ClinVar aggregate classification (germline): Likely pathogenic (1 of 4 stars; one submission).

Submission:

Labcorp Genetics (formerly Invitae), Labcorp
Classification: Likely pathogenic. Last evaluated: 2023-08-18. Review status: criteria provided, single submitter. Criteria: Invitae Variant Classification Sherloc (09022015). Collection method: clinical testing. Allele origin: unknown.
Comment: In summary, the currently available evidence indicates that the variant is pathogenic, but additional data are needed to prove that conclusively. Therefore, this variant has been classified as Likely Pathogenic. This variant has not been reported in the literature in individuals affected with MSH3-related conditions. This variant results in a copy number gain of the genomic region encompassing exon(s) 14-16 of the MSH3 gene. While the exact position of this variant cannot be determined from the data, sub-genic copy number gains are generally in tandem (PMID: 25640679). This variant is predicted to be out-of-frame, and may result in an absent or disrupted protein product. Loss-of-function variants in MSH3 are known to be pathogenic (PMID: 27476653, 37402566).

Literature cited by the submitters: PubMed 25640679; PubMed 27476653; PubMed 37402566.

NC_000005.9:g.(?_80063742)_(80071587_?)dup

Gene: MSH3 (mutS homolog 3; plus strand). Cytogenetic location: 5q14.1.
Variant type: Duplication.
Identifiers: ClinVar variation 3246494 (VCV003246494.1).